The following is an entry in ClinVar:

NM_003850.3(SUCLA2):c.880T>C (p.Trp294Arg)

Gene: SUCLA2 (succinate-CoA ligase ADP-forming subunit beta; minus strand). Cytogenetic location: 13q14.2.
Variant type: single nucleotide variant.
Coding change: c.880T>C on transcript NM_003850.3 (MANE Select); coding-DNA position 880, T replaced by C.
Protein change: p.Trp294Arg; replaces tryptophan 294 with arginine.
Molecular consequence: missense variant.
Genome position (GRCh38, 1-based): chr13:47,954,480, A>G on the plus strand (T>C on the coding strand, the complement: SUCLA2 is on the minus strand). VCF-style: chr13-47954480-A-G. GRCh37 (hg19) VCF-style: chr13-48528615-A-G.
Other names: short protein forms W294R.
Identifiers: ClinVar variation 1030717 (VCV001030717.2), dbSNP rs756098740, ClinGen allele CA6977889.

ClinVar aggregate classification (germline): Uncertain significance. Review status: criteria provided, multiple submitters, no conflicts (2 of 4 stars). 2 submissions from 2 submitters: Uncertain significance (2). Last evaluated 2024-10-11.

Conditions:
Mitochondrial DNA depletion syndrome, encephalomyopathic form with methylmalonic aciduria (MTDPS5). Also called: MITOCHONDRIAL DNA DEPLETION SYNDROME, ENCEPHALOMYOPATHIC FORM, WITH OR WITHOUT METHYLMALONIC ACIDURIA, AUTOSOMAL RECESSIVE, SUCLA2-RELATED; Mitochondrial DNA depletion syndrome 5 (encephalomyopathic with or without methylmalonic aciduria); Mitochondrial encephalomyopathy aminoacidopathy; SUCLA2-Related Mitochondrial DNA Depletion Syndrome, Encephalomyopathic Form with Methylmalonic Aciduria. Identifiers: Orphanet 1933, MedGen C5980207, MONDO:0012791, OMIM 612073.

Allele frequency attached by ClinVar (database versions not stated): gnomAD exomes below 0.00001; TOPMed below 0.00001; ExAC 0.00001.
gnomAD v4.1: 13 of 1,613,962 alleles (0.00081%); highest among the groups gnomAD compares: Middle Eastern, 0.099%; no homozygotes.

Submissions (2):

GeneDx
Classification: Uncertain significance. Last evaluated: 2024-10-11. Review status: criteria provided, single submitter. Criteria: GeneDx Variant Classification Process June 2021. Collection method: clinical testing. Allele origin: germline. Affected: yes.
Comment: Not observed at significant frequency in large population cohorts (gnomAD); In silico analysis supports that this missense variant has a deleterious effect on protein structure/function; Has not been previously published as pathogenic or benign to our knowledge

Baylor Genetics
Classification: Uncertain significance for Mitochondrial DNA depletion syndrome, encephalomyopathic form with methylmalonic aciduria. Last evaluated: 2019-11-27. Review status: criteria provided, single submitter. Criteria: ACMG Guidelines, 2015. Collection method: clinical testing. Allele origin: unknown. Affected: yes.
Comment: This variant was determined to be of uncertain significance according to ACMG Guidelines, 2015 [PMID:25741868].